The following is an entry in ClinVar:

NM_002055.5(GFAP):c.1216A>G (p.Arg406Gly)

Gene: GFAP (glial fibrillary acidic protein; minus strand). Cytogenetic location: 17q21.31.
Variant type: single nucleotide variant.
Coding change: c.1216A>G on transcript NM_002055.5 (MANE Select); coding-DNA position 1216, A replaced by G.
Protein change: p.Arg406Gly; replaces arginine 406 with glycine.
Molecular consequence: missense variant.
Genome position (GRCh38, 1-based): chr17:44,908,105, T>C on the plus strand (A>G on the coding strand, the complement: GFAP is on the minus strand). VCF-style: chr17-44908105-T-C. GRCh37 (hg19) VCF-style: chr17-42985473-T-C.
Other names: c.1336A>G, p.Arg446Gly (NM_001363846.2); short protein forms R446G, R406G.
Identifiers: ClinVar variation 2181525 (VCV002181525.4), dbSNP rs372700463, ClinGen allele CA8608624.

ClinVar aggregate classification (germline): Uncertain significance (1 of 4 stars; one submission).

Allele frequency attached by ClinVar (database versions not stated): gnomAD exomes below 0.00001; ExAC 0.00001; gnomAD 0.00001; TOPMed 0.00003; ESP Exome Variant Server 0.00008.
gnomAD v4.1: 5 of 1,609,576 alleles (0.00031%); highest among the groups gnomAD compares: Non-Finnish European, 0.00043%; no homozygotes.

Submission:

Labcorp Genetics (formerly Invitae), Labcorp
Classification: Uncertain significance. Last evaluated: 2022-10-21. Review status: criteria provided, single submitter. Criteria: Invitae Variant Classification Sherloc (09022015). Collection method: clinical testing. Allele origin: germline.
Comment: This sequence change replaces arginine, which is basic and polar, with glycine, which is neutral and non-polar, at codon 406 of the GFAP protein (p.Arg406Gly). This variant is present in population databases (rs372700463, gnomAD 0.007%). This variant has not been reported in the literature in individuals affected with GFAP-related conditions. Advanced modeling of protein sequence and biophysical properties (such as structural, functional, and spatial information, amino acid conservation, physicochemical variation, residue mobility, and thermodynamic stability) has been performed at Invitae for this missense variant, however the output from this modeling did not meet the statistical confidence thresholds required to predict the impact of this variant on GFAP protein function. In summary, the available evidence is currently insufficient to determine the role of this variant in disease. Therefore, it has been classified as a Variant of Uncertain Significance.